The following is an entry in ClinVar:

NM_002474.3(MYH11):c.2091G>T (p.Glu697Asp)

Gene: MYH11 (myosin heavy chain 11; minus strand). Cytogenetic location: 16p13.11.
Variant type: single nucleotide variant.
Coding change: c.2091G>T on transcript NM_002474.3 (MANE Select); coding-DNA position 2091, G replaced by T.
Protein change: p.Glu697Asp; replaces glutamic acid 697 with aspartic acid.
Molecular consequence: missense variant.
Genome position (GRCh38, 1-based): chr16:15,748,136, C>A on the plus strand (G>T on the coding strand, the complement: MYH11 is on the minus strand). VCF-style: chr16-15748136-C-A. GRCh37 (hg19) VCF-style: chr16-15841993-C-A.
Other names: c.2112G>T, p.Glu704Asp (NM_001040113.2, NM_001040114.2); c.2091G>T, p.Glu697Asp (NM_022844.3); short protein forms E697D, E704D.
Identifiers: ClinVar variation 3071513 (VCV003071513.1), dbSNP rs1317575433, ClinGen allele CA394868213.

ClinVar aggregate classification (germline): Uncertain significance (1 of 4 stars; one submission).

Conditions:
Familial thoracic aortic aneurysm and aortic dissection (TAAD). Also called: Thoracic aortic aneurysms and dissections. Identifiers: Orphanet 91387, MedGen C4707243, MONDO:0019625.

Allele frequency attached by ClinVar (database versions not stated): TOPMed below 0.00001; gnomAD 0.00001.
gnomAD v4.1: 1 of 1,613,948 alleles (0.000062%); highest among the groups gnomAD compares: African/African-American, 0.0013%; no homozygotes.

Submission:

All of Us Research Program, National Institutes of Health
Classification: Uncertain significance for Familial thoracic aortic aneurysm and aortic dissection. Last evaluated: 2023-06-08. Review status: criteria provided, single submitter. Criteria: ACMG Guidelines, 2015. Collection method: clinical testing. Allele origin: germline. Inheritance: Autosomal dominant inheritance. Observed: 1 variant allele, 1 heterozygote.
Comment: This missense variant replaces glutamic acid with aspartic acid at codon 704 of the MYH11 protein. Computational prediction suggests that this variant may not impact protein structure and function (internally defined REVEL score threshold <= 0.5, PMID: 27666373). To our knowledge, functional studies have not been reported for this variant. This variant has not been reported in individuals affected with MYH11-related disorders in the literature. This variant has not been identified in the general population by the Genome Aggregation Database (gnomAD). The available evidence is insufficient to determine the role of this variant in disease conclusively. Therefore, this variant is classified as a Variant of Uncertain Significance.

This study involves interpretation of variants in research participants for the purpose of population health screening. Participant phenotype was not available at the time of variant classification. Additional details can be found in publication PMID: 35346344, PMCID: PMC8962531